The following is an entry in ClinVar:

ClinVar aggregate classification (germline): Uncertain significance (1 of 4 stars; one submission).

Submission:

GeneDx
Classification: Uncertain significance. Last evaluated: 2024-01-08. Review status: criteria provided, single submitter. Criteria: GeneDx Variant Classification Process June 2021. Collection method: clinical testing. Allele origin: germline. Affected: yes.
Comment: Not observed at significant frequency in large population cohorts (gnomAD); In silico analysis supports that this missense variant has a deleterious effect on protein structure/function; Has not been previously published as pathogenic or benign to our knowledge

NM_206933.4(USH2A):c.2114A>G (p.Asp705Gly)

Gene: USH2A (usherin; minus strand). Cytogenetic location: 1q41.
Variant type: single nucleotide variant.
Coding change: c.2114A>G on transcript NM_206933.4 (MANE Select); coding-DNA position 2114, A replaced by G.
Protein change: p.Asp705Gly; replaces aspartic acid 705 with glycine.
Molecular consequence: missense variant.
Genome position (GRCh38, 1-based): chr1:216,250,956, T>C on the plus strand (A>G on the coding strand, the complement: USH2A is on the minus strand). VCF-style: chr1-216250956-T-C. GRCh37 (hg19) VCF-style: chr1-216424298-T-C.
Other names: c.2114A>G, p.Asp705Gly (NM_007123.6); short protein forms D705G.
Identifiers: ClinVar variation 3367335 (VCV003367335.1).